The following is an entry in ClinVar:

ClinVar aggregate classification (germline): Benign/Likely benign. Review status: criteria provided, multiple submitters, no conflicts (2 of 4 stars). 3 submissions from 3 submitters: Benign (1); Likely benign (2). Last evaluated 2024-12-01.

Allele frequency attached by ClinVar (database versions not stated): gnomAD 0.00029 and 0.00046; TOPMed 0.00029; gnomAD exomes 0.00037 and 0.00084; ExAC 0.00088; 1000 Genomes Project 30x 0.00250; 1000 Genomes Project 0.00280.
gnomAD v4.1: 610 of 1,586,298 alleles (0.038%); highest among the groups gnomAD compares: East Asian, 1%; 6 homozygotes.

Submissions (3):

CeGaT Center for Human Genetics Tuebingen
Classification: Likely benign. Last evaluated: 2024-12-01. Review status: criteria provided, single submitter. Criteria: CeGaT Center For Human Genetics Tuebingen Variant Classification Criteria Version 2. Collection method: clinical testing. Allele origin: germline. Affected: yes. Observed: 1 variant allele.
Comment: HECW2: BS1

Blueprint Genetics
Classification: Likely benign. Last evaluated: 2024-10-30. Review status: criteria provided, single submitter. Criteria: ACMG Guidelines, 2015. Collection method: clinical testing. Allele origin: germline.

Labcorp Genetics (formerly Invitae), Labcorp
Classification: Benign. Last evaluated: 2018-05-24. Review status: criteria provided, single submitter. Criteria: Invitae Variant Classification Sherloc (09022015). Collection method: clinical testing. Allele origin: germline.

NM_001348768.2(HECW2):c.1976G>A (p.Arg659Gln)

Gene: HECW2 (HECT, C2 and WW domain containing E3 ubiquitin protein ligase 2; minus strand). Cytogenetic location: 2q32.3.
Variant type: single nucleotide variant.
Coding change: c.1976G>A on transcript NM_001348768.2 (MANE Select); coding-DNA position 1976, G replaced by A.
Protein change: p.Arg659Gln; replaces arginine 659 with glutamine.
Molecular consequence: missense variant.
Genome position (GRCh38, 1-based): chr2:196,318,914, C>T on the plus strand (G>A on the coding strand, the complement: HECW2 is on the minus strand). VCF-style: chr2-196318914-C-T. GRCh37 (hg19) VCF-style: chr2-197183638-C-T.
Other names: c.908G>A, p.Arg303Gln (NM_001304840.3); c.1976G>A, p.Arg659Gln (NM_020760.4); short protein forms R659Q, R303Q.
Identifiers: ClinVar variation 745231 (VCV000745231.17), dbSNP rs75909709, ClinGen allele CA2038222.
Genomic context (GRCh38, chr2:196,318,914, plus strand): 5'-TCCTCCTGAGAAGAAAAGGCTGGGGTTTCAGGAAACCGTGCGCTCTCAAGAGAGGAGCAC[C>T]GTGTGTCCACAGAGGACAGCTGCGTGGTCACACTCTCATTGCAGGAGCTGTCAGCGCATT-3'
Protein context (NP_001335697.1, residues 649-669): VTTQLSSVDT[Arg659Gln]CSSLESARFP